The following is an entry in ClinVar:

NM_017649.5(CNNM2):c.1879G>T (p.Ala627Ser)

Gene: CNNM2 (cyclin and CBS domain divalent metal cation transport mediator 2; plus strand). Cytogenetic location: 10q24.32.
Variant type: single nucleotide variant.
Coding change: c.1879G>T on transcript NM_017649.5 (MANE Select); coding-DNA position 1879, G replaced by T.
Protein change: p.Ala627Ser; replaces alanine 627 with serine.
Molecular consequence: missense variant.
Genome position (GRCh38, 1-based): chr10:103,054,442, G>T. VCF-style: chr10-103054442-G-T. GRCh37 (hg19) VCF-style: chr10-104814199-G-T.
Other names: c.1879G>T, p.Ala627Ser (NM_199076.3); short protein forms A627S.
Identifiers: ClinVar variation 4278737 (VCV004278737.1).

ClinVar aggregate classification (germline): Uncertain significance (1 of 4 stars; one submission).

Submission:

GeneDx
Classification: Uncertain significance. Last evaluated: 2025-04-01. Review status: criteria provided, single submitter. Criteria: GeneDx Variant Classification Process June 2021. Collection method: clinical testing. Allele origin: germline. Affected: yes.
Comment: Not observed at significant frequency in large population cohorts (gnomAD); In silico analysis supports that this missense variant has a deleterious effect on protein structure/function; Has not been previously published as pathogenic or benign to our knowledge